The following is an entry in ClinVar:

NM_022095.4(ZNF335):c.642_643delinsTC (p.Ser215Pro)

Gene: ZNF335 (zinc finger protein 335; minus strand). Cytogenetic location: 20q13.12.
Variant type: Indel.
Coding change: c.642_643delinsTC on transcript NM_022095.4 (MANE Select); coding-DNA positions 642 to 643, CT replaced by TC.
Protein change: p.Ser215Pro; replaces serine 215 with proline.
Molecular consequence: missense variant.
Genome position (GRCh38, 1-based): chr20:45,967,905-45,967,906, AG replaced by GA on the plus strand (CT replaced by TC on the coding strand, the reverse complement: ZNF335 is on the minus strand). VCF-style: chr20-45967905-AG-GA. GRCh37 (hg19) VCF-style: chr20-44596544-AG-GA.
Other names: short protein forms S215P.
Identifiers: ClinVar variation 1385292 (VCV001385292.6), dbSNP rs2145415566, ClinGen allele CA2573157105.

ClinVar aggregate classification (germline): Uncertain significance (1 of 4 stars; one submission).

Submission:

Labcorp Genetics (formerly Invitae), Labcorp
Classification: Uncertain significance. Last evaluated: 2021-10-08. Review status: criteria provided, single submitter. Criteria: Invitae Variant Classification Sherloc (09022015). Collection method: clinical testing. Allele origin: germline.
Comment: This sequence change replaces serine with proline at codon 215 of the ZNF335 protein (p.Ser215Pro). The serine residue is highly conserved and there is a moderate physicochemical difference between serine and proline. The frequency data for this variant in the population databases is not available, as this variant may be reported as separate entries in the ExAC database. This variant has not been reported in the literature in individuals affected with ZNF335-related conditions. Experimental studies and prediction algorithms are not available or were not evaluated, and the functional significance of this variant is currently unknown. In summary, the available evidence is currently insufficient to determine the role of this variant in disease. Therefore, it has been classified as a Variant of Uncertain Significance.